The following is an entry in ClinVar:

ClinVar aggregate classification (germline): Uncertain significance. Review status: criteria provided, multiple submitters, no conflicts (2 of 4 stars). 2 submissions from 2 submitters: Uncertain significance (2). Last evaluated 2025-08-21.

Allele frequency attached by ClinVar (database versions not stated): TOPMed 0.00001; gnomAD 0.00002.
gnomAD v4.1: 3 of 1,551,892 alleles (0.00019%); highest among the groups gnomAD compares: Non-Finnish European, 0.00026%; no homozygotes.

Submissions (2):

Labcorp Genetics (formerly Invitae), Labcorp
Classification: Uncertain significance. Last evaluated: 2025-08-21. Review status: criteria provided, single submitter. Criteria: Invitae Variant Classification Sherloc (09022015). Collection method: clinical testing. Allele origin: germline.
Comment: This sequence change replaces cysteine, which is neutral and slightly polar, with arginine, which is basic and polar, at codon 2899 of the EYS protein (p.Cys2899Arg). This variant is not present in population databases (gnomAD no frequency). This variant has not been reported in the literature in individuals affected with EYS-related conditions. ClinVar contains an entry for this variant (Variation ID: 941552). Invitae Evidence Modeling of protein sequence and biophysical properties (such as structural, functional, and spatial information, amino acid conservation, physicochemical variation, residue mobility, and thermodynamic stability) has been performed for this missense variant. However, the output from this modeling did not meet the statistical confidence thresholds required to predict the impact of this variant on EYS protein function. In summary, the available evidence is currently insufficient to determine the role of this variant in disease. Therefore, it has been classified as a Variant of Uncertain Significance.

Blueprint Genetics
Classification: Uncertain significance. Last evaluated: 2018-04-23. Review status: criteria provided, single submitter. Criteria: ACMG Guidelines, 2015. Collection method: clinical testing. Allele origin: germline.

NM_001142800.2(EYS):c.8695T>C (p.Cys2899Arg)

Genes: EYS (EGF-like photoreceptor maintenance factor; minus strand), PHF3 (PHD finger protein 3; plus strand). Cytogenetic location: 6q12.
Variant type: single nucleotide variant.
Coding change: c.8695T>C on transcript NM_001142800.2 (MANE Select); coding-DNA position 8695, T replaced by C.
Protein change: p.Cys2899Arg; replaces cysteine 2899 with arginine.
Molecular consequence: missense variant. On other transcripts: 3 prime UTR variant (5).
Genome position (GRCh38, 1-based): chr6:63,721,336, A>G on the plus strand (T>C on the coding strand, the complement: EYS is on the minus strand). VCF-style: chr6-63721336-A-G. GRCh37 (hg19) VCF-style: chr6-64431232-A-G.
Other names: c.*7628A>G (NM_001290259.2, NM_001370348.2, NM_001370349.2 and 2 more transcripts); c.8758T>C, p.Cys2920Arg (NM_001292009.2); short protein forms C2899R, C2920R.
Identifiers: ClinVar variation 941552 (VCV000941552.9), dbSNP rs1245199091, ClinGen allele CA364384188.